The following is an entry in ClinVar:

NM_000228.3(LAMB3):c.1449C>A (p.Cys483Ter)

Gene: LAMB3 (laminin subunit beta 3; minus strand). Cytogenetic location: 1q32.2.
Variant type: single nucleotide variant.
Coding change: c.1449C>A on transcript NM_000228.3 (MANE Select); coding-DNA position 1449, C replaced by A.
Protein change: p.Cys483Ter; replaces cysteine 483 with a stop codon.
Molecular consequence: nonsense.
Genome position (GRCh38, 1-based): chr1:209,627,419, G>T on the plus strand (C>A on the coding strand, the complement: LAMB3 is on the minus strand). VCF-style: chr1-209627419-G-T. GRCh37 (hg19) VCF-style: chr1-209800764-G-T.
Other names: c.1449C>A, p.Cys483Ter (NM_001017402.2, NM_001127641.1); short protein forms C483*.
Identifiers: ClinVar variation 2072940 (VCV002072940.4), dbSNP rs781012508, ClinGen allele CA344591026.
Genomic context (GRCh38, chr1:209,627,419, plus strand): 5'-CCCCGGACCACCCTCACTTCGTACCTGGTTGCACTGTGGGCTGAGGGAGTTGTGCGGGTC[G>T]CAGGCACACGGTTCACAGCCCTGGCCACTGGCCAGCTTCCAGTGGTAGGGAGCACACTGG-3'

ClinVar aggregate classification (germline): Pathogenic (1 of 4 stars; one submission).

gnomAD v4.1: 2 of 1,613,762 alleles (0.00012%); highest among the groups gnomAD compares: Non-Finnish European, 0.00017%; no homozygotes.

Submission:

Labcorp Genetics (formerly Invitae), Labcorp
Classification: Pathogenic. Last evaluated: 2023-09-28. Review status: criteria provided, single submitter. Criteria: Invitae Variant Classification Sherloc (09022015). Collection method: clinical testing. Allele origin: germline.
Comment: For these reasons, this variant has been classified as Pathogenic. ClinVar contains an entry for this variant (Variation ID: 2072940). This variant has not been reported in the literature in individuals affected with LAMB3-related conditions. This variant is not present in population databases (gnomAD no frequency). This sequence change creates a premature translational stop signal (p.Cys483*) in the LAMB3 gene. It is expected to result in an absent or disrupted protein product. Loss-of-function variants in LAMB3 are known to be pathogenic (PMID: 11023379, 16473856).

Literature cited by the submitters: PubMed 11023379; PubMed 16473856.